The following is an entry in ClinVar:

NM_000821.7(GGCX):c.899_901del (p.Ser300del)

Gene: GGCX (gamma-glutamyl carboxylase; minus strand). Cytogenetic location: 2p11.2.
Variant type: Deletion.
Coding change: c.899_901del on transcript NM_000821.7 (MANE Select); coding-DNA positions 899 to 901, 3 bases deleted (CCT; older notation c.899_901delCCT).
Protein change: p.Ser300del; deletes serine 300.
Genome position (GRCh38, 1-based): chr2:85,553,486-85,553,488, AGG deleted on the plus strand (CCT on the coding strand, the reverse complement: GGCX is on the minus strand); deleting any 3 consecutive bases within chr2:85,553,486-85,553,490 gives the same sequence; the c. name uses the placement nearest the transcript's 3' end. VCF-style (leftmost placement, unchanged base first): chr2-85553485-TAGG-T. GRCh37 (hg19) VCF-style: chr2-85780608-TAGG-T.
Other names: c.728_730del, p.Ser243del (NM_001142269.4); short protein forms S300del, S243del.
Identifiers: ClinVar variation 4770428 (VCV004770428.1).

ClinVar aggregate classification (germline): Uncertain significance (1 of 4 stars; one submission).

Submission:

Labcorp Genetics (formerly Invitae), Labcorp
Classification: Uncertain significance. Last evaluated: 2025-06-24. Review status: criteria provided, single submitter. Criteria: Invitae Variant Classification Sherloc (09022015). Collection method: clinical testing. Allele origin: germline.
Comment: This variant, c.899_901del, results in the deletion of 1 amino acid(s) of the GGCX protein (p.Ser300del), but otherwise preserves the integrity of the reading frame. This variant is present in population databases (rs751262487, gnomAD 0.006%). This variant has not been reported in the literature in individuals affected with GGCX-related conditions. Experimental studies and prediction algorithms are not available or were not evaluated, and the functional significance of this variant is currently unknown. In summary, the available evidence is currently insufficient to determine the role of this variant in disease. Therefore, it has been classified as a Variant of Uncertain Significance.